The following is an entry in ClinVar:

NM_000530.8(MPZ):c.592G>C (p.Glu198Gln)

Gene: MPZ (myelin protein zero; minus strand). Cytogenetic location: 1q23.3.
Variant type: single nucleotide variant.
Coding change: c.592G>C on transcript NM_000530.8 (MANE Select); coding-DNA position 592, G replaced by C.
Protein change: p.Glu198Gln; replaces glutamic acid 198 with glutamine.
Molecular consequence: missense variant.
Genome position (GRCh38, 1-based): chr1:161,306,161, C>G on the plus strand (G>C on the coding strand, the complement: MPZ is on the minus strand). VCF-style: chr1-161306161-C-G. GRCh37 (hg19) VCF-style: chr1-161275951-C-G.
Other names: c.592G>C (LRG_256t1); c.592G>C, p.Glu198Gln (NM_001315491.2); short protein forms E198Q.
Identifiers: ClinVar variation 411672 (VCV000411672.11), dbSNP rs770994564, ClinGen allele CA1210105.

ClinVar aggregate classification (germline): Uncertain significance. Review status: criteria provided, multiple submitters, no conflicts (2 of 4 stars). 2 submissions from 2 submitters: Uncertain significance (2). Last evaluated 2022-08-16.

Conditions:
Charcot-Marie-Tooth disease, type I (CMT1). Also called: Charcot-Marie-Tooth, Type 1; Charcot-Marie-Tooth disease type 1. Identifiers: Orphanet 65753, MedGen C0751036, MONDO:0019011.
Charcot-Marie-Tooth disease. Also called: Charcot-Marie-Tooth Neuropathy; Charcot-Marie-Tooth Hereditary Neuropathy. Identifiers: Orphanet 166, MedGen C0007959, MONDO:0015626.

Allele frequency attached by ClinVar (database versions not stated): gnomAD exomes below 0.00001; ExAC 0.00001.
gnomAD v4.1: 3 of 1,614,230 alleles (0.00019%); highest among the groups gnomAD compares: African/African-American, 0.0013%; no homozygotes.

Submissions (2):

Labcorp Genetics (formerly Invitae), Labcorp
Classification: Uncertain significance for Charcot-Marie-Tooth disease, type I. Last evaluated: 2022-08-16. Review status: criteria provided, single submitter. Criteria: Invitae Variant Classification Sherloc (09022015). Collection method: clinical testing. Allele origin: germline.
Comment: This sequence change replaces glutamic acid, which is acidic and polar, with glutamine, which is neutral and polar, at codon 198 of the MPZ protein (p.Glu198Gln). This variant is present in population databases (rs770994564, gnomAD 0.007%). In summary, the available evidence is currently insufficient to determine the role of this variant in disease. Therefore, it has been classified as a Variant of Uncertain Significance. Algorithms developed to predict the effect of missense changes on protein structure and function are either unavailable or do not agree on the potential impact of this missense change (SIFT: "Tolerated"; PolyPhen-2: "Probably Damaging"; Align-GVGD: "Class C0"). ClinVar contains an entry for this variant (Variation ID: 411672). This variant has not been reported in the literature in individuals affected with MPZ-related conditions.

Molecular Genetics Laboratory, London Health Sciences Centre
Classification: Uncertain significance for Charcot-Marie-Tooth disease. Review status: criteria provided, single submitter. Criteria: ACMG Guidelines, 2015. Collection method: clinical testing. Allele origin: germline. Affected: yes.